The following is an entry in ClinVar:

ClinVar aggregate classification (germline): Uncertain significance. Review status: criteria provided, multiple submitters, no conflicts (2 of 4 stars). 2 submissions from 2 submitters: Uncertain significance (2). Last evaluated 2024-10-17.

Allele frequency attached by ClinVar (database versions not stated): ExAC 0.00001; gnomAD exomes 0.00001.
gnomAD v4.1: 8 of 1,613,702 alleles (0.0005%); highest among the groups gnomAD compares: Admixed American, 0.0017%; no homozygotes.

Submissions (2):

Blueprint Genetics
Classification: Uncertain significance. Last evaluated: 2024-10-17. Review status: criteria provided, single submitter. Criteria: ACMG Guidelines, 2015. Collection method: clinical testing. Allele origin: germline.

Labcorp Genetics (formerly Invitae), Labcorp
Classification: Uncertain significance. Last evaluated: 2022-09-13. Review status: criteria provided, single submitter. Criteria: Invitae Variant Classification Sherloc (09022015). Collection method: clinical testing. Allele origin: germline.
Comment: In summary, the available evidence is currently insufficient to determine the role of this variant in disease. Therefore, it has been classified as a Variant of Uncertain Significance. Advanced modeling of protein sequence and biophysical properties (such as structural, functional, and spatial information, amino acid conservation, physicochemical variation, residue mobility, and thermodynamic stability) performed at Invitae indicates that this missense variant is not expected to disrupt SLC4A1 protein function. This variant has not been reported in the literature in individuals affected with SLC4A1-related conditions. This variant is present in population databases (rs774867548, gnomAD 0.003%). This sequence change replaces aspartic acid, which is acidic and polar, with glycine, which is neutral and non-polar, at codon 355 of the SLC4A1 protein (p.Asp355Gly).

NM_000342.4(SLC4A1):c.1064A>G (p.Asp355Gly)

Gene: SLC4A1 (solute carrier family 4 member 1 (Diego blood group); minus strand). Cytogenetic location: 17q21.31.
Variant type: single nucleotide variant.
Coding change: c.1064A>G on transcript NM_000342.4 (MANE Select); coding-DNA position 1064, A replaced by G.
Protein change: p.Asp355Gly; replaces aspartic acid 355 with glycine.
Molecular consequence: missense variant.
Genome position (GRCh38, 1-based): chr17:44,258,436, T>C on the plus strand (A>G on the coding strand, the complement: SLC4A1 is on the minus strand). VCF-style: chr17-44258436-T-C. GRCh37 (hg19) VCF-style: chr17-42335804-T-C.
Other names: short protein forms D355G.
Identifiers: ClinVar variation 1913941 (VCV001913941.6), dbSNP rs774867548, ClinGen allele CA8600397.